The following is an entry in ClinVar:

ClinVar aggregate classification (germline): Uncertain significance (1 of 4 stars; one submission).

gnomAD v4.1: 22 of 1,613,660 alleles (0.0014%); highest among the groups gnomAD compares: East Asian, 0.0067%; no homozygotes.

Submission:

Labcorp Genetics (formerly Invitae), Labcorp
Classification: Uncertain significance. Last evaluated: 2024-07-12. Review status: criteria provided, single submitter. Criteria: Invitae Variant Classification Sherloc (09022015). Collection method: clinical testing. Allele origin: germline.
Comment: This sequence change replaces alanine, which is neutral and non-polar, with valine, which is neutral and non-polar, at codon 334 of the ITGAM protein (p.Ala334Val). This variant is present in population databases (rs563980365, gnomAD 0.01%). This variant has not been reported in the literature in individuals affected with ITGAM-related conditions. An algorithm developed to predict the effect of missense changes on protein structure and function (PolyPhen-2) suggests that this variant is likely to be disruptive. In summary, the available evidence is currently insufficient to determine the role of this variant in disease. Therefore, it has been classified as a Variant of Uncertain Significance.

NM_000632.4(ITGAM):c.1001C>T (p.Ala334Val)

Gene: ITGAM (integrin subunit alpha M; plus strand). Cytogenetic location: 16p11.2.
Variant type: single nucleotide variant.
Coding change: c.1001C>T on transcript NM_000632.4 (MANE Select); coding-DNA position 1001, C replaced by T.
Protein change: p.Ala334Val; replaces alanine 334 with valine.
Molecular consequence: missense variant.
Genome position (GRCh38, 1-based): chr16:31,275,691, C>T. VCF-style: chr16-31275691-C-T. GRCh37 (hg19) VCF-style: chr16-31287012-C-T.
Other names: c.1001C>T, p.Ala334Val (NM_001145808.2); short protein forms A334V.
Identifiers: ClinVar variation 3681198 (VCV003681198.2).
Genomic context (GRCh38, chr16:31,275,691, plus strand): 5'-AGGTGAATAACTTTGAGGCTCTGAAGACCATTCAGAACCAGCTTCGGGAGAAGATCTTTG[C>T]GATCGAGGGTGAGTCAGGCATCTGTGTTCCCAGAGCAGCTCCAGAGGCAGCCCCCCACCC-3'
Protein context (NP_000623.2, residues 324-344): IQNQLREKIF[Ala334Val]IEGTQTGSSS